The following is an entry in ClinVar:

NM_025136.4(OPA3):c.30G>C (p.Lys10Asn)

Genes: OPA3 (outer mitochondrial membrane lipid metabolism regulator OPA3; minus strand), OPA3-RTN2 (OPA3-RTN2 readthrough; minus strand), LOC130064709 (ATAC-STARR-seq lymphoblastoid active region 14802; plus strand). Cytogenetic location: 19q13.32.
Variant type: single nucleotide variant.
Coding change: c.30G>C on transcript NM_025136.4 (MANE Select); coding-DNA position 30, G replaced by C.
Protein change: p.Lys10Asn; replaces lysine 10 with asparagine.
Molecular consequence: missense variant.
Genome position (GRCh38, 1-based): chr19:45,584,735, C>G on the plus strand (G>C on the coding strand, the complement: OPA3 is on the minus strand). VCF-style: chr19-45584735-C-G. GRCh37 (hg19) VCF-style: chr19-46087993-C-G.
Other names: c.30G>C, p.Lys10Asn (NM_001017989.3); short protein forms K10N.
Identifiers: ClinVar variation 1722308 (VCV001722308.6), dbSNP rs1131692018, ClinGen allele CA406378934.

ClinVar aggregate classification (germline): Uncertain significance (1 of 4 stars; one submission).

Conditions:
Optic atrophy 3 (OPA3). Also called: OPTIC ATROPHY 3, AUTOSOMAL DOMINANT; Optic atrophy 3 with cataract; Optic atrophy, cataract, and neurologic disorder. Identifiers: Orphanet 67036, MedGen C1833809, MONDO:0008133, OMIM 165300.
3-Methylglutaconic aciduria type 3 (MGCA3). Also called: Costeff Syndrome; OPA3, AUTOSOMAL RECESSIVE; OPTIC ATROPHY 3, AUTOSOMAL RECESSIVE; OPA3-Related 3-Methylglutaconic Aciduria. Identifiers: Orphanet 67047, MedGen C0574084, MONDO:0009787, OMIM 258501.

Submission:

Labcorp Genetics (formerly Invitae), Labcorp
Classification: Uncertain significance for 3-Methylglutaconic aciduria type 3; Optic atrophy 3. Last evaluated: 2022-07-22. Review status: criteria provided, single submitter. Criteria: Invitae Variant Classification Sherloc (09022015). Collection method: clinical testing. Allele origin: germline.
Comment: This sequence change replaces lysine, which is basic and polar, with asparagine, which is neutral and polar, at codon 10 of the OPA3 protein (p.Lys10Asn). In summary, the available evidence is currently insufficient to determine the role of this variant in disease. Therefore, it has been classified as a Variant of Uncertain Significance. Algorithms developed to predict the effect of missense changes on protein structure and function are either unavailable or do not agree on the potential impact of this missense change (SIFT: "Deleterious"; PolyPhen-2: "Probably Damaging"; Align-GVGD: "Class C0"). This variant has not been reported in the literature in individuals affected with OPA3-related conditions. This variant is not present in population databases (gnomAD no frequency).